The following is an entry in ClinVar:

ClinVar aggregate classification (germline): Uncertain significance (1 of 4 stars; one submission).

Conditions:
Neuronal ceroid lipofuscinosis. Also called: Neuronal Ceroid Lipofuscinoses. Identifiers: Orphanet 216, Orphanet 79263, MedGen C0027877, MONDO:0016295. Disease mechanism: loss of function.

Allele frequency attached by ClinVar (database versions not stated): gnomAD exomes below 0.00001; TOPMed below 0.00001.
gnomAD v4.1: 1 of 1,613,432 alleles (0.000062%); highest among the groups gnomAD compares: East Asian, 0.0022%; no homozygotes.

Submission:

Labcorp Genetics (formerly Invitae), Labcorp
Classification: Uncertain significance for Neuronal ceroid lipofuscinosis. Last evaluated: 2024-02-24. Review status: criteria provided, single submitter. Criteria: Invitae Variant Classification Sherloc (09022015). Collection method: clinical testing. Allele origin: germline.
Comment: This sequence change replaces proline, which is neutral and non-polar, with leucine, which is neutral and non-polar, at codon 184 of the CLN6 protein (p.Pro184Leu). This variant is not present in population databases (gnomAD no frequency). This missense change has been observed in individual(s) with clinical features of neuronal ceroid lipofuscinosis (Invitae). It has also been observed to segregate with disease in related individuals. ClinVar contains an entry for this variant (Variation ID: 2125487). Advanced modeling of protein sequence and biophysical properties (such as structural, functional, and spatial information, amino acid conservation, physicochemical variation, residue mobility, and thermodynamic stability) has been performed at Invitae for this missense variant, however the output from this modeling did not meet the statistical confidence thresholds required to predict the impact of this variant on CLN6 protein function. In summary, the available evidence is currently insufficient to determine the role of this variant in disease. Therefore, it has been classified as a Variant of Uncertain Significance.

NM_017882.3(CLN6):c.551C>T (p.Pro184Leu)

Gene: CLN6 (CLN6 transmembrane ER protein; minus strand). Cytogenetic location: 15q23.
Variant type: single nucleotide variant.
Coding change: c.551C>T on transcript NM_017882.3 (MANE Select); coding-DNA position 551, C replaced by T.
Protein change: p.Pro184Leu; replaces proline 184 with leucine.
Molecular consequence: missense variant.
Genome position (GRCh38, 1-based): chr15:68,209,751, G>A on the plus strand (C>T on the coding strand, the complement: CLN6 is on the minus strand). VCF-style: chr15-68209751-G-A. GRCh37 (hg19) VCF-style: chr15-68502089-G-A.
Other names: c.647C>T, p.Pro216Leu (NM_001411068.1); short protein forms P184L, P216L.
Identifiers: ClinVar variation 2125487 (VCV002125487.4), dbSNP rs2093199296, ClinGen allele CA392973048.
Genomic context (GRCh38, chr15:68,209,751, plus strand): 5'-CTCTCAGCTTTAGAGGCAGTAAAGCAGCCGCTGAAGTACATGAAGAGGATGAGGAAGAAG[G>A]GGATGTACCTGTGACAGGAAGGCCAGTGTCTTAGAGGCCTGCTCAGCGGCCCTCTTCCCC-3'
Protein context (NP_060352.1, residues 174-194): EYLGHCMWYI[Pro184Leu]FFLILFMYFS